The following is an entry in ClinVar:

ClinVar aggregate classification (germline): Pathogenic/Likely pathogenic. Review status: criteria provided, multiple submitters, no conflicts (2 of 4 stars). 2 submissions from 2 submitters: Pathogenic (1); Likely pathogenic (1). Last evaluated 2025-08-25.

Conditions:
Hereditary cancer-predisposing syndrome. Also called: Hereditary neoplastic syndrome; Neoplastic Syndromes, Hereditary; Tumor predisposition; Hereditary Cancer Syndrome. Identifiers: Orphanet 140162, MedGen C0027672, MeSH D009386, MONDO:0015356.
Familial adenomatous polyposis 1 (FAP1). Also called: FAMILIAL ADENOMATOUS POLYPOSIS 1, ATTENUATED; POLYPOSIS, ADENOMATOUS INTESTINAL. Identifiers: MedGen C2713442, MONDO:0021056, OMIM 175100. Disease mechanism: loss of function.

Submissions (2):

Ambry Genetics
Classification: Likely pathogenic for Hereditary cancer-predisposing syndrome. Last evaluated: 2025-08-25. Review status: criteria provided, single submitter. Criteria: Ambry Variant Classification Scheme 2023. Collection method: clinical testing. Allele origin: germline.
Comment: The c.2851_2861del11 variant, located in coding exon 15 of the APC gene, results from a deletion of 11 nucleotides at nucleotide positions 2851 to 2861, causing a translational frameshift with a predicted alternate stop codon (p.Y951Rfs*8). This alteration occurs at the 3' terminus of theAPC gene, is not expected to trigger nonsense-mediated mRNA decay, and impacts the last 33% of the protein. However, premature stop codons are typically deleterious in nature and a significant portion of the protein is affected (Ambry internal data). This variant is considered to be rare based on population cohorts in the Genome Aggregation Database (gnomAD). Based on the majority of available evidence to date, this variant is likely to be pathogenic.

Labcorp Genetics (formerly Invitae), Labcorp
Classification: Pathogenic for Familial adenomatous polyposis 1. Last evaluated: 2025-06-05. Review status: criteria provided, single submitter. Criteria: Invitae Variant Classification Sherloc (09022015). Collection method: clinical testing. Allele origin: germline.
Comment: This sequence change creates a premature translational stop signal (p.Tyr951Argfs*8) in the APC gene. While this is not anticipated to result in nonsense mediated decay, it is expected to disrupt the last 1893 amino acid(s) of the APC protein. This variant is not present in population databases (gnomAD no frequency). This variant has not been reported in the literature in individuals affected with APC-related conditions. A different truncation (p.Tyr2645Lysfs*14) that lies downstream of this variant has been determined to be pathogenic (PMID: 9824584, 1316610, 27081525, 8381579, 22135120, internal data). This suggests that deletion of this region of the APC protein is causative of disease. This variant is expected to disrupt the EB1 and HDLG binding sites, which mediate interactions with the cytoskeleton (PMID: 15311282, 17293347). While functional studies have not been performed to directly test the effect on APC protein function, this suggests that disruption of the C-terminal portion of the protein is functionally important. For these reasons, this variant has been classified as Pathogenic.

Literature cited by the submitters: PubMed 9824584 (cited by Labcorp Genetics (formerly Invitae), Labcorp); PubMed 1316610 (cited by Labcorp Genetics (formerly Invitae), Labcorp); PubMed 27081525 (cited by Labcorp Genetics (formerly Invitae), Labcorp); PubMed 8381579 (cited by Labcorp Genetics (formerly Invitae), Labcorp); PubMed 22135120 (cited by Labcorp Genetics (formerly Invitae), Labcorp); PubMed 15311282 (cited by Labcorp Genetics (formerly Invitae), Labcorp); PubMed 17293347 (cited by Labcorp Genetics (formerly Invitae), Labcorp).

NM_000038.6(APC):c.2851_2861del (p.Tyr951fs)

Gene: APC (APC regulator of Wnt signaling pathway; plus strand). Cytogenetic location: 5q22.2.
Variant type: Deletion.
Coding change: c.2851_2861del on transcript NM_000038.6 (MANE Select); coding-DNA positions 2851 to 2861, 11 bases deleted (TATGCCAAATT).
Protein change: p.Tyr951fs; shifts the reading frame from tyrosine 951.
Molecular consequence: frameshift variant. On other transcripts: non-coding transcript variant (2).
Genome position (GRCh38, 1-based): chr5:112,838,445-112,838,455, TATGCCAAATT deleted; deleting any 11 consecutive bases within chr5:112,838,444-112,838,455 gives the same sequence; the c. name uses the placement nearest the transcript's 3' end. VCF-style (leftmost placement, unchanged base first): chr5-112838443-CTTATGCCAAAT-C. GRCh37 (hg19) VCF-style: chr5-112174140-CTTATGCCAAAT-C.
Other names: c.2464_2474del, p.Tyr822fs (NM_001407469.1, NM_001407467.1); c.2002_2012del, p.Tyr668fs (NM_001407470.1, NM_001354906.2); c.1699_1709del, p.Tyr567fs (NM_001407471.1, NM_001407472.1); c.2851_2861del, p.Tyr951fs (NM_001127510.3, NM_001354895.2, NM_001407450.1); c.2797_2807del, p.Tyr933fs (NM_001127511.3); c.2905_2915del, p.Tyr969fs (NM_001354896.2, NM_001407447.1, NM_001407448.1 and 1 more transcripts); c.2881_2891del, p.Tyr961fs (NM_001354897.2); c.2776_2786del, p.Tyr926fs (NM_001354898.2); and 11 more; short protein forms Y850fs, Y969fs, Y791fs, Y892fs, Y926fs, Y961fs, Y668fs, Y822fs.
Identifiers: ClinVar variation 4121635 (VCV004121635.2).